The following is an entry in ClinVar:

ClinVar aggregate classification (germline): Uncertain significance. Review status: criteria provided, multiple submitters, no conflicts (2 of 4 stars). 2 submissions from 2 submitters: Uncertain significance (2). Last evaluated 2025-09-26.

Submissions (2):

Ambry Genetics
Classification: Uncertain significance. Last evaluated: 2025-09-26. Review status: criteria provided, single submitter. Criteria: Ambry Variant Classification Scheme 2023. Collection method: clinical testing. Allele origin: germline.
Comment: The p.P536S variant (also known as c.1606C>T), located in coding exon 13 of the GEN1 gene, results from a C to T substitution at nucleotide position 1606. The proline at codon 536 is replaced by serine, an amino acid with similar properties. This amino acid position is conserved. In addition, this alteration is predicted to be tolerated by in silico analysis. Based on the available evidence, the clinical significance of this variant remains unclear.

Labcorp Genetics (formerly Invitae), Labcorp
Classification: Uncertain significance. Last evaluated: 2021-02-23. Review status: criteria provided, single submitter. Criteria: Invitae Variant Classification Sherloc (09022015). Collection method: clinical testing. Allele origin: germline.
Comment: Algorithms developed to predict the effect of missense changes on protein structure and function output the following: SIFT: "Tolerated"; PolyPhen-2: "Benign"; Align-GVGD: "Class C0". The serine amino acid residue is found in multiple mammalian species, suggesting that this missense change does not adversely affect protein function. These predictions have not been confirmed by published functional studies and their clinical significance is uncertain. This sequence change replaces proline with serine at codon 536 of the GEN1 protein (p.Pro536Ser). The proline residue is weakly conserved and there is a moderate physicochemical difference between proline and serine. This variant is not present in population databases (ExAC no frequency). This variant has not been reported in the literature in individuals with GEN1-related conditions. In summary, the available evidence is currently insufficient to determine the role of this variant in disease. Therefore, it has been classified as a Variant of Uncertain Significance.

NM_001130009.3(GEN1):c.1606C>T (p.Pro536Ser)

Gene: GEN1 (GEN1 structure-specific endonuclease; plus strand). Cytogenetic location: 2p24.2.
Variant type: single nucleotide variant.
Coding change: c.1606C>T on transcript NM_001130009.3 (MANE Select); coding-DNA position 1606, C replaced by T.
Protein change: p.Pro536Ser; replaces proline 536 with serine.
Molecular consequence: missense variant.
Genome position (GRCh38, 1-based): chr2:17,780,818, C>T. VCF-style: chr2-17780818-C-T. GRCh37 (hg19) VCF-style: chr2-17962085-C-T.
Other names: c.1606C>T, p.Pro536Ser (NM_182625.5); c.1606C>T (NM_001130009.1); short protein forms P536S.
Identifiers: ClinVar variation 1513038 (VCV001513038.9), dbSNP rs2125177702, ClinGen allele CA345926229.